The following is an entry in ClinVar:

NM_002693.3(POLG):c.2981+6G>A

Gene: POLG (DNA polymerase gamma, catalytic subunit; minus strand). Cytogenetic location: 15q26.1.
Variant type: single nucleotide variant.
Coding change: c.2981+6G>A on transcript NM_002693.3 (MANE Select); 6 bases into the intron after coding-DNA position 2981, G replaced by A.
Molecular consequence: intron variant.
Genome position (GRCh38, 1-based): chr15:89,320,760, C>T on the plus strand (G>A on the coding strand, the complement: POLG is on the minus strand). VCF-style: chr15-89320760-C-T. GRCh37 (hg19) VCF-style: chr15-89863991-C-T.
Other names: c.2981+6G>A (NM_001126131.2).
Identifiers: ClinVar variation 2693584 (VCV002693584.3), dbSNP rs2509216456, ClinGen allele CA2630253772.

ClinVar aggregate classification (germline): Uncertain significance (1 of 4 stars; one submission).

Conditions:
Progressive sclerosing poliodystrophy (MTDPS4A). Also called: ALPERS PROGRESSIVE INFANTILE POLIODYSTROPHY; NEURONAL DEGENERATION OF CHILDHOOD WITH LIVER DISEASE, PROGRESSIVE; Mitochondrial DNA depletion syndrome 4A (Alpers type); Mitochondrial DNA Depletion Syndrome 4A; Alpers-Huttenlocher Syndrome (AHS); Alpers Syndrome. Identifiers: Orphanet 726, MedGen C0205710, MONDO:0008758, OMIM 203700.

Submission:

Labcorp Genetics (formerly Invitae), Labcorp
Classification: Uncertain significance for Progressive sclerosing poliodystrophy. Last evaluated: 2023-11-06. Review status: criteria provided, single submitter. Criteria: Invitae Variant Classification Sherloc (09022015). Collection method: clinical testing. Allele origin: germline.
Comment: This sequence change falls in intron 18 of the POLG gene. It does not directly change the encoded amino acid sequence of the POLG protein. It affects a nucleotide within the consensus splice site. This variant is not present in population databases (gnomAD no frequency). This variant has not been reported in the literature in individuals affected with POLG-related conditions. Variants that disrupt the consensus splice site are a relatively common cause of aberrant splicing (PMID: 17576681, 9536098). Algorithms developed to predict the effect of sequence changes on RNA splicing suggest that this variant is not likely to affect RNA splicing. In summary, the available evidence is currently insufficient to determine the role of this variant in disease. Therefore, it has been classified as a Variant of Uncertain Significance.

Literature cited by the submitters: PubMed 17576681; PubMed 9536098.